The following is an entry in ClinVar:

ClinVar aggregate classification (germline): Uncertain significance (1 of 4 stars; one submission).

Allele frequency attached by ClinVar (database versions not stated): TOPMed below 0.00001.

Submission:

Labcorp Genetics (formerly Invitae), Labcorp
Classification: Uncertain significance. Last evaluated: 2023-12-13. Review status: criteria provided, single submitter. Criteria: Invitae Variant Classification Sherloc (09022015). Collection method: clinical testing. Allele origin: germline.
Comment: This sequence change replaces glutamine, which is neutral and polar, with lysine, which is basic and polar, at codon 59 of the PDX1 protein (p.Gln59Lys). This variant is not present in population databases (gnomAD no frequency). This variant has not been reported in the literature in individuals affected with PDX1-related conditions. Advanced modeling of protein sequence and biophysical properties (such as structural, functional, and spatial information, amino acid conservation, physicochemical variation, residue mobility, and thermodynamic stability) performed at Invitae indicates that this missense variant is not expected to disrupt PDX1 protein function with a negative predictive value of 80%. In summary, the available evidence is currently insufficient to determine the role of this variant in disease. Therefore, it has been classified as a Variant of Uncertain Significance.

NM_000209.4(PDX1):c.175C>A (p.Gln59Lys)

Gene: PDX1 (pancreatic and duodenal homeobox 1; plus strand). Cytogenetic location: 13q12.2.
Variant type: single nucleotide variant.
Coding change: c.175C>A on transcript NM_000209.4 (MANE Select); coding-DNA position 175, C replaced by A.
Protein change: p.Gln59Lys; replaces glutamine 59 with lysine.
Molecular consequence: missense variant.
Genome position (GRCh38, 1-based): chr13:27,920,313, C>A. VCF-style: chr13-27920313-C-A. GRCh37 (hg19) VCF-style: chr13-28494450-C-A.
Other names: short protein forms Q59K.
Identifiers: ClinVar variation 2874489 (VCV002874489.3), dbSNP rs1957773637, ClinGen allele CA387644160.